The following is an entry in ClinVar:

ClinVar aggregate classification (germline): Uncertain significance. Review status: criteria provided, multiple submitters, no conflicts (2 of 4 stars). 9 submissions from 7 submitters: Uncertain significance (7). 2 of the submissions do not count toward it. Last evaluated 2026-01-27.

Conditions:
Arrhythmogenic cardiomyopathy with wooly hair and keratoderma. Also called: PALMOPLANTAR KERATODERMA WITH LEFT VENTRICULAR CARDIOMYOPATHY AND WOOLLY HAIR; Carvajal syndrome; Dilated cardiomyopathy with woolly hair and keratoderma; Arrhythmogenic cardiomyopathy with woolly hair and keratoderma. Identifiers: Orphanet 65282, MedGen C1854063, MONDO:0011581, OMIM 605676.
Woolly hair-skin fragility syndrome (WHSF). Identifiers: Orphanet 293165, MedGen C1843292, MONDO:0957307, OMIM 620415.
Cardiomyopathy, dilated, with wooly hair, keratoderma, and tooth agenesis. Also called: Cardiomyopathy, dilated, with woolly hair, keratoderma, and tooth agenesis; Erythrokeratodermia-cardiomyopathy syndrome. Identifiers: Orphanet 476096, Orphanet 65282, MedGen C4014393, MONDO:0014355, OMIM 615821.
Lethal acantholytic epidermolysis bullosa (EBLA). Identifiers: Orphanet 158687, MedGen C1864826, MONDO:0012323, OMIM 609638.
Arrhythmogenic right ventricular dysplasia 8 (ARVD8). Also called: ARRHYTHMOGENIC RIGHT VENTRICULAR DYSPLASIA, FAMILIAL, 8; ARRHYTHMOGENIC RIGHT VENTRICULAR CARDIOMYOPATHY 8; Arrhythmogenic Right Ventricular Dysplasia/Cardiomyopathy 8. Identifiers: MedGen C1843896, MONDO:0011831, OMIM 607450.
Keratosis palmoplantaris striata 2. Also called: KERATODERMA, PALMOPLANTAR, STRIATE FORM II; STRIATE PALMOPLANTAR KERATODERMA II; Keratosis palmoplantaris striata II. Identifiers: MedGen C1852127, MONDO:0013034, OMIM 612908.
Cardiovascular phenotype. Identifiers: MedGen CN230736.
Cardiomyopathy (CMYO). Also called: Cardiomyopathies. Identifiers: Orphanet 167848, MedGen C0878544, MONDO:0004994, HP:0001638. Inheritance: Various modes of inheritance.

Allele frequency attached by ClinVar (database versions not stated): gnomAD exomes below 0.00001 and 0.00004; TOPMed 0.00001.
gnomAD v4.1: 51 of 1,614,210 alleles (0.0032%); highest among the groups gnomAD compares: Non-Finnish European, 0.0043%; no homozygotes.

Submissions (9):

Labcorp Genetics (formerly Invitae), Labcorp
Classification: Uncertain significance for Arrhythmogenic cardiomyopathy with wooly hair and keratoderma; Arrhythmogenic right ventricular dysplasia 8. Last evaluated: 2026-01-27. Review status: criteria provided, single submitter. Criteria: Invitae Variant Classification Sherloc (09022015). Collection method: clinical testing. Allele origin: germline.
Comment: This sequence change replaces glutamine, which is neutral and polar, with arginine, which is basic and polar, at codon 1560 of the DSP protein (p.Gln1560Arg). This variant is present in population databases (rs796530013, gnomAD 0.0009%). This missense change has been observed in individual(s) with dilated cardiomyopathy (PMID: 37198425). ClinVar contains an entry for this variant (Variation ID: 357953). An algorithm developed to predict the effect of missense changes on protein structure and function (PolyPhen-2) suggests that this variant is likely to be disruptive. In summary, the available evidence is currently insufficient to determine the role of this variant in disease. Therefore, it has been classified as a Variant of Uncertain Significance.

Color Diagnostics, LLC DBA Color Health
Classification: Uncertain significance for Cardiomyopathy. Last evaluated: 2025-06-12. Review status: criteria provided, single submitter. Criteria: ACMG Guidelines, 2015. Collection method: clinical testing. Allele origin: germline.
Comment: This missense variant replaces glutamine with arginine at codon 1560 of the DSP protein. Computational prediction suggests that this variant may not impact protein structure and function. To our knowledge, functional studies have not been reported for this variant. This variant has not been reported in individuals affected with DSP-related disorders in the literature. This variant has been identified in 1/250324 chromosomes in the general population by the Genome Aggregation Database (gnomAD). The available evidence is insufficient to determine the role of this variant in disease conclusively. Therefore, this variant is classified as a Variant of Uncertain Significance.

Ambry Genetics
Classification: Uncertain significance for Cardiovascular phenotype. Last evaluated: 2024-10-25. Review status: criteria provided, single submitter. Criteria: Ambry Variant Classification Scheme 2023. Collection method: clinical testing. Allele origin: germline.
Comment: The p.Q1560R variant (also known as c.4679A>G), located in coding exon 23 of the DSP gene, results from an A to G substitution at nucleotide position 4679. The glutamine at codon 1560 is replaced by arginine, an amino acid with highly similar properties. This variant has been reported in a dilated cardiomyopathy (DCM) cohort (Stroeks SLVM et al. Eur J Hum Genet, 2023 Jul;31:776-783). This amino acid position is highly conserved in available vertebrate species. In addition, the in silico prediction for this alteration is inconclusive. Based on the available evidence, the clinical significance of this variant remains unclear.

Fulgent Genetics
Classification: Uncertain significance for Arrhythmogenic cardiomyopathy with wooly hair and keratoderma; Arrhythmogenic right ventricular dysplasia 8; Lethal acantholytic epidermolysis bullosa; Keratosis palmoplantaris striata 2; Cardiomyopathy, dilated, with wooly hair, keratoderma, and tooth agenesis. Last evaluated: 2021-08-27. Review status: criteria provided, single submitter. Criteria: ACMG Guidelines, 2015. Collection method: clinical testing. Allele origin: unknown.

Illumina Laboratory Services, Illumina
Classification: Uncertain significance for Lethal acantholytic epidermolysis bullosa. Last evaluated: 2018-01-12. Review status: criteria provided, single submitter. Criteria: ICSL Variant Classification Criteria 13 December 2019. Collection method: clinical testing. Allele origin: germline.

Illumina Laboratory Services, Illumina
Classification: Uncertain significance for Arrhythmogenic cardiomyopathy with wooly hair and keratoderma. Last evaluated: 2018-01-12. Review status: criteria provided, single submitter. Criteria: ICSL Variant Classification Criteria 13 December 2019. Collection method: clinical testing. Allele origin: germline.

Illumina Laboratory Services, Illumina
Classification: Uncertain significance for Arrhythmogenic right ventricular dysplasia 8. Last evaluated: 2018-01-12. Review status: criteria provided, single submitter. Criteria: ICSL Variant Classification Criteria 13 December 2019. Collection method: clinical testing. Allele origin: germline.

Clinical Genetics, Academic Medical Center
Classification: Uncertain significance. Review status: no assertion criteria provided. Collection method: clinical testing. Allele origin: germline. Affected: yes. Study: VKGL Data-share Consensus. Not counted in ClinVar's aggregate classification.

Joint Genome Diagnostic Labs from Nijmegen and Maastricht, Radboudumc and MUMC+
Classification: Uncertain significance. Review status: no assertion criteria provided. Collection method: clinical testing. Allele origin: germline. Affected: yes. Study: VKGL Data-share Consensus. Not counted in ClinVar's aggregate classification.

Literature cited by the submitters: PubMed 37198425 (cited by Labcorp Genetics (formerly Invitae), Labcorp and Ambry Genetics).

NM_004415.4(DSP):c.4679A>G (p.Gln1560Arg)

Gene: DSP (desmoplakin; plus strand). Cytogenetic location: 6p24.3.
Variant type: single nucleotide variant.
Coding change: c.4679A>G on transcript NM_004415.4 (MANE Select); coding-DNA position 4679, A replaced by G.
Protein change: p.Gln1560Arg; replaces glutamine 1560 with arginine.
Molecular consequence: missense variant. On other transcripts: intron variant (2).
Genome position (GRCh38, 1-based): chr6:7,580,869, A>G. VCF-style: chr6-7580869-A-G. GRCh37 (hg19) VCF-style: chr6-7581102-A-G.
Other names: c.4679A>G (LRG_423t1); c.4050+629A>G (NM_001319034.2); c.3582+1097A>G (NM_001008844.3); short protein forms Q1560R.
Identifiers: ClinVar variation 357953 (VCV000357953.27), dbSNP rs796530013, ClinGen allele CA10627563.